The following is an entry in ClinVar:

NM_006766.5(KAT6A):c.5510T>C (p.Ile1837Thr)

Gene: KAT6A (lysine acetyltransferase 6A; minus strand). Cytogenetic location: 8p11.21.
Variant type: single nucleotide variant.
Coding change: c.5510T>C on transcript NM_006766.5 (MANE Select); coding-DNA position 5510, T replaced by C.
Protein change: p.Ile1837Thr; replaces isoleucine 1837 with threonine.
Molecular consequence: missense variant.
Genome position (GRCh38, 1-based): chr8:41,932,710, A>G on the plus strand (T>C on the coding strand, the complement: KAT6A is on the minus strand). VCF-style: chr8-41932710-A-G. GRCh37 (hg19) VCF-style: chr8-41790228-A-G.
Other names: short protein forms I1837T.
Identifiers: ClinVar variation 3372925 (VCV003372925.2).
Genomic context (GRCh38, chr8:41,932,710, plus strand): 5'-ATGGAAATGTGCCCCTTCACTGGCATTTGCCCTTGCAATCTCTGCGTGTGAGGAATGCCA[A>G]TGTTGGTGGCAGACATGTTGCACTGAAGCAGAGGAGATGTGAGGTTCATGGTAGTGGATG-3'
Protein context (NP_006757.2, residues 1827-1847): LLQCNMSATN[Ile1837Thr]GIPHTQRLQG

ClinVar aggregate classification (germline): Uncertain significance (1 of 4 stars; one submission).

Submission:

GeneDx
Classification: Uncertain significance. Last evaluated: 2025-02-12. Review status: criteria provided, single submitter. Criteria: GeneDx Variant Classification Process June 2021. Collection method: clinical testing. Allele origin: germline. Affected: yes.
Comment: Not observed at significant frequency in large population cohorts (gnomAD); In silico analysis supports that this missense variant has a deleterious effect on protein structure/function; Has not been previously published as pathogenic or benign to our knowledge